The following is an entry in ClinVar:

NM_006080.3(SEMA3A):c.139A>G (p.Thr47Ala)

Gene: SEMA3A (semaphorin 3A; minus strand). Cytogenetic location: 7q21.11.
Variant type: single nucleotide variant.
Coding change: c.139A>G on transcript NM_006080.3 (MANE Select); coding-DNA position 139, A replaced by G.
Protein change: p.Thr47Ala; replaces threonine 47 with alanine.
Molecular consequence: missense variant.
Genome position (GRCh38, 1-based): chr7:84,134,925, T>C on the plus strand (A>G on the coding strand, the complement: SEMA3A is on the minus strand). VCF-style: chr7-84134925-T-C. GRCh37 (hg19) VCF-style: chr7-83764241-T-C.
Other names: short protein forms T47A.
Identifiers: ClinVar variation 3952054 (VCV003952054.2).

ClinVar aggregate classification (germline): Uncertain significance. Review status: criteria provided, multiple submitters, no conflicts (2 of 4 stars). 2 submissions from 2 submitters: Uncertain significance (2). Last evaluated 2026-04-09.

Conditions:
SEMA3A-related disorder. Also called: SEMA3A-related condition.
Inborn genetic diseases. Identifiers: MedGen C0950123, MeSH D030342.

gnomAD v4.1: 34 of 1,612,858 alleles (0.0021%); highest among the groups gnomAD compares: Admixed American, 0.055%; no homozygotes.

Submissions (2):

PreventionGenetics, part of Exact Sciences
Classification: Uncertain significance for SEMA3A-related condition. Last evaluated: 2026-04-09. Review status: criteria provided, single submitter. Criteria: ACMG Guidelines, 2015. Collection method: clinical testing. Allele origin: germline.
Comment: The SEMA3A c.139A>G variant is predicted to result in the amino acid substitution p.Thr47Ala. To our knowledge, this variant has not been reported in the literature. This variant is reported in 0.018% of alleles in individuals of Latino descent in gnomAD. Although we suspect that this variant may be benign, at this time, the clinical significance of this variant is uncertain due to the absence of conclusive functional and genetic evidence.

Ambry Genetics
Classification: Uncertain significance for Inborn genetic diseases. Last evaluated: 2025-04-08. Review status: criteria provided, single submitter. Criteria: Ambry Variant Classification Scheme 2023. Collection method: clinical testing. Allele origin: germline.